The following is an entry in ClinVar:

NM_001025603.2(RFX5):c.753C>T (p.Leu251=)

Gene: RFX5 (regulatory factor X5; minus strand). Cytogenetic location: 1q21.3.
Variant type: single nucleotide variant.
Coding change: c.753C>T on transcript NM_001025603.2 (MANE Select); coding-DNA position 753, C replaced by T.
Protein change: p.Leu251=; no amino-acid change (leucine 251 retained).
Molecular consequence: synonymous variant. On other transcripts: no sequence alteration (1).
Genome position (GRCh38, 1-based): chr1:151,343,685, G>A on the plus strand (C>T on the coding strand, the complement: RFX5 is on the minus strand). VCF-style: chr1-151343685-G-A. GRCh37 (hg19) VCF-style: chr1-151316161-G-A.
Other names: c.753C>T (NM_000449.3); c.753C>T, p.Leu251= (NM_000449.4, NM_001379412.1, NM_001379413.1 and 5 more transcripts); c.633C>T, p.Leu211= (NM_001379419.1, NM_001379420.1).
Identifiers: ClinVar variation 403373 (VCV000403373.18), dbSNP rs1752386, ClinGen allele CA1089768.

ClinVar aggregate classification (germline): Benign/Likely benign. Review status: criteria provided, multiple submitters, no conflicts (2 of 4 stars). 6 submissions from 6 submitters: Benign (5); Likely benign (1). Last evaluated 2026-02-04.

Conditions:
MHC class II deficiency. Also called: BLS, TYPE II; Bare lymphocyte syndrome 2. Identifiers: Orphanet 572, MedGen C5447452, MONDO:0008855.

Allele frequency attached by ClinVar (database versions not stated): ESP Exome Variant Server 0.97524; TOPMed 0.97613; 1000 Genomes Project 30x 0.97689; gnomAD 0.97700 and 0.97849; 1000 Genomes Project 0.97804; ExAC 0.99335; gnomAD exomes 0.99455 and 0.99796.

Submissions (6):

Labcorp Genetics (formerly Invitae), Labcorp
Classification: Benign for MHC class II deficiency. Last evaluated: 2026-02-04. Review status: criteria provided, single submitter. Criteria: Invitae Variant Classification Sherloc (09022015). Collection method: clinical testing. Allele origin: germline.

Women's Health and Genetics/Laboratory Corporation of America, LabCorp
Classification: Benign. Last evaluated: 2026-01-21. Review status: criteria provided, single submitter. Criteria: LabCorp Variant Classification Summary - May 2015. Collection method: clinical testing. Allele origin: germline.

Blueprint Genetics
Classification: Likely benign. Last evaluated: 2024-11-26. Review status: criteria provided, single submitter. Criteria: ACMG Guidelines, 2015. Collection method: clinical testing. Allele origin: germline.

Genome-Nilou Lab
Classification: Benign for MHC class II deficiency 1. Last evaluated: 2021-11-07. Review status: criteria provided, single submitter. Criteria: ACMG Guidelines, 2015. Collection method: clinical testing. Allele origin: germline. Affected: no.

Laboratory for Molecular Medicine, Mass General Brigham Personalized Medicine
Classification: Benign. Last evaluated: 2016-03-28. Review status: criteria provided, single submitter. Criteria: LMM Criteria. Collection method: clinical testing. Allele origin: germline.
Comment: Variant identified in a genome or exome case(s) and assessed due to predicted null impact of the variant or pathogenic assertions in the literature or databases. Disclaimer: This variant has not undergone full assessment. The following are preliminary notes: MAF

Breakthrough Genomics
Classification: Benign. Review status: criteria provided, single submitter. Criteria: ACMG Guidelines, 2015. Collection method: not provided. Allele origin: germline. Inheritance: Autosomal recessive inheritance. Affected: yes.